The following is an entry in ClinVar:

NM_024105.4(ALG12):c.811G>A (p.Gly271Ser)

Gene: ALG12 (ALG12 alpha-1,6-mannosyltransferase; minus strand). Cytogenetic location: 22q13.33.
Variant type: single nucleotide variant.
Coding change: c.811G>A on transcript NM_024105.4 (MANE Select); coding-DNA position 811, G replaced by A.
Protein change: p.Gly271Ser; replaces glycine 271 with serine.
Molecular consequence: missense variant.
Genome position (GRCh38, 1-based): chr22:49,907,902, C>T on the plus strand (G>A on the coding strand, the complement: ALG12 is on the minus strand). VCF-style: chr22-49907902-C-T. GRCh37 (hg19) VCF-style: chr22-50301550-C-T.
Other names: short protein forms G271S.
Identifiers: ClinVar variation 664837 (VCV000664837.6), dbSNP rs751915470, ClinGen allele CA10300437.
Genomic context (GRCh38, chr22:49,907,902, plus strand): 5'-GCGCGTGCGTCCTTCTGTCTACCAAGCCCAGGGGGATGAAGAGCAGGCTGCAGCCCAGGC[C>T]GCGGGGCAGGGCTGAGTAGAAGTACCACAGCAGCGGGGAGGTCTGCGGGCTGGGTTAAGG-3'
Protein context (NP_077010.1, residues 261-281): LWYFYSALPR[Gly271Ser]LGCSLLFIPL

ClinVar aggregate classification (germline): Uncertain significance. Review status: criteria provided, multiple submitters, no conflicts (2 of 4 stars). 2 submissions from 2 submitters: Uncertain significance (2). Last evaluated 2025-04-14.

Conditions:
Inborn genetic diseases. Identifiers: MedGen C0950123, MeSH D030342.
ALG12-congenital disorder of glycosylation (CDG1G). Also called: ALG12-CDG; CDG Ig; Congenital disorder of glycosylation, type Ig. Identifiers: Orphanet 79324, MedGen C2931001, MONDO:0011783, OMIM 607143.

Allele frequency attached by ClinVar (database versions not stated): gnomAD 0.00004 and 0.00005; TOPMed 0.00004; ExAC 0.00005; gnomAD exomes 0.00006.
gnomAD v4.1: 165 of 1,613,428 alleles (0.01%); highest among the groups gnomAD compares: South Asian, 0.012%; 1 homozygote.

Submissions (3):

Ambry Genetics
Classification: Uncertain significance for Inborn genetic diseases. Last evaluated: 2025-04-14. Review status: criteria provided, single submitter. Criteria: Ambry Variant Classification Scheme 2023. Collection method: clinical testing. Allele origin: germline.

Labcorp Genetics (formerly Invitae), Labcorp
Classification: Uncertain significance for ALG12-congenital disorder of glycosylation. Last evaluated: 2023-11-27. Review status: criteria provided, single submitter. Criteria: Invitae Variant Classification Sherloc (09022015). Collection method: clinical testing. Allele origin: germline.
Comment: This sequence change replaces glycine, which is neutral and non-polar, with serine, which is neutral and polar, at codon 271 of the ALG12 protein (p.Gly271Ser). This variant is present in population databases (rs751915470, gnomAD 0.03%). This variant has not been reported in the literature in individuals affected with ALG12-related conditions. ClinVar contains an entry for this variant (Variation ID: 664837). Advanced modeling of protein sequence and biophysical properties (such as structural, functional, and spatial information, amino acid conservation, physicochemical variation, residue mobility, and thermodynamic stability) performed at Invitae indicates that this missense variant is not expected to disrupt ALG12 protein function with a negative predictive value of 80%. In summary, the available evidence is currently insufficient to determine the role of this variant in disease. Therefore, it has been classified as a Variant of Uncertain Significance.

Dr. Peter K. Rogan Lab, Western University
No classification provided (evidence only). Condition: Gastric cancer. Review status: no classification provided. Collection method: in vitro. Allele origin: not applicable. Functional consequence: retained intron. Not counted in ClinVar's aggregate classification.